The following is an entry in ClinVar:

NM_198282.4(STING1):c.257G>A (p.Arg86Gln)

Genes: STING1 (stimulator of interferon response cGAMP interactor 1; minus strand), LOC123522803 (Sharpr-MPRA regulatory region 11914; plus strand). Cytogenetic location: 5q31.2.
Variant type: single nucleotide variant.
Coding change: c.257G>A on transcript NM_198282.4 (MANE Select); coding-DNA position 257, G replaced by A.
Protein change: p.Arg86Gln; replaces arginine 86 with glutamine.
Molecular consequence: missense variant. On other transcripts: 5 prime UTR variant (1).
Genome position (GRCh38, 1-based): chr5:139,481,313, C>T on the plus strand (G>A on the coding strand, the complement: STING1 is on the minus strand). VCF-style: chr5-139481313-C-T. GRCh37 (hg19) VCF-style: chr5-138860898-C-T.
Other names: c.257G>A, p.Arg86Gln (NM_001301738.2); c.-101G>A (NM_001367258.1); short protein forms R86Q.
Identifiers: ClinVar variation 4848652 (VCV004848652.1).

ClinVar aggregate classification (germline): Likely benign (1 of 4 stars; one submission).

gnomAD v4.1: 25 of 1,605,382 alleles (0.0016%); highest among the groups gnomAD compares: South Asian, 0.0067%; no homozygotes.

Submission:

Women's Health and Genetics/Laboratory Corporation of America, LabCorp
Classification: Likely benign. Last evaluated: 2026-04-13. Review status: criteria provided, single submitter. Criteria: LabCorp Variant Classification Summary - May 2015. Collection method: clinical testing. Allele origin: germline.
Comment: Variant summary: STING1 c.257G>A (p.Arg86Gln) results in a conservative amino acid change in the encoded protein sequence. Algorithms developed to predict the effect of missense changes on protein structure and function all suggest that this variant is likely to be tolerated. The variant allele was found at a frequency of 1.6e-05 in 1605382 control chromosomes. The observed variant frequency exceeds the estimated maximal expected allele frequency for disease-causing variants in STING1. To our knowledge, no occurrence of c.257G>A in individuals affected with STING1-related conditions and no experimental evidence demonstrating its impact on protein function have been reported. No submitters have cited clinical-significance assessments for this variant to ClinVar. Based on the evidence outlined above, the variant was classified as likely benign.